The following is an entry in ClinVar:

ClinVar aggregate classification (germline): Likely pathogenic (1 of 4 stars; one submission).

Submission:

GeneDx
Classification: Likely pathogenic. Last evaluated: 2025-02-28. Review status: criteria provided, single submitter. Criteria: GeneDx Variant Classification Process June 2021. Collection method: clinical testing. Allele origin: germline.
Comment: Not observed at significant frequency in large population cohorts (gnomAD); In silico analysis supports that this missense variant has a deleterious effect on protein structure/function; Has not been previously published as pathogenic or benign to our knowledge

NM_001007527.2(LMBRD2):c.1568C>G (p.Ser523Cys)

Gene: LMBRD2 (LMBR1 domain containing 2; minus strand). Cytogenetic location: 5p13.2.
Variant type: single nucleotide variant.
Coding change: c.1568C>G on transcript NM_001007527.2 (MANE Select); coding-DNA position 1568, C replaced by G.
Protein change: p.Ser523Cys; replaces serine 523 with cysteine.
Molecular consequence: missense variant.
Genome position (GRCh38, 1-based): chr5:36,114,496, G>C on the plus strand (C>G on the coding strand, the complement: LMBRD2 is on the minus strand). VCF-style: chr5-36114496-G-C. GRCh37 (hg19) VCF-style: chr5-36114598-G-C.
Other names: short protein forms S523C.
Identifiers: ClinVar variation 3369230 (VCV003369230.2).